The following is an entry in ClinVar:

ClinVar aggregate classification (germline): Uncertain significance (1 of 4 stars; one submission).

Conditions:
Familial adenomatous polyposis 1 (FAP1). Also called: POLYPOSIS, ADENOMATOUS INTESTINAL; FAMILIAL ADENOMATOUS POLYPOSIS 1, ATTENUATED. Identifiers: MedGen C2713442, MONDO:0021056, OMIM 175100. Disease mechanism: loss of function.

Submission:

Labcorp Genetics (formerly Invitae), Labcorp
Classification: Uncertain significance for Familial adenomatous polyposis 1. Last evaluated: 2019-10-09. Review status: criteria provided, single submitter. Criteria: Invitae Variant Classification Sherloc (09022015). Collection method: clinical testing. Allele origin: germline.
Comment: This sequence change replaces serine with arginine at codon 2425 of the APC protein (p.Ser2425Arg). The serine residue is highly conserved and there is a moderate physicochemical difference between serine and arginine. In summary, the available evidence is currently insufficient to determine the role of this variant in disease. Therefore, it has been classified as a Variant of Uncertain Significance. Algorithms developed to predict the effect of missense changes on protein structure and function are either unavailable or do not agree on the potential impact of this missense change (SIFT: "Deleterious"; PolyPhen-2: "Probably Damaging"; Align-GVGD: "Class C15"). This variant has not been reported in the literature in individuals with APC-related conditions. This variant is not present in population databases (ExAC no frequency).

NM_000038.6(APC):c.7275T>G (p.Ser2425Arg)

Gene: APC (APC regulator of Wnt signaling pathway; plus strand). Cytogenetic location: 5q22.2.
Variant type: single nucleotide variant.
Coding change: c.7275T>G on transcript NM_000038.6 (MANE Select); coding-DNA position 7275, T replaced by G.
Protein change: p.Ser2425Arg; replaces serine 2425 with arginine.
Molecular consequence: missense variant.
Genome position (GRCh38, 1-based): chr5:112,842,869, T>G. VCF-style: chr5-112842869-T-G. GRCh37 (hg19) VCF-style: chr5-112178566-T-G.
Other names: c.7275T>G, p.Ser2425Arg (NM_001127510.3, NM_001354895.2); c.7221T>G, p.Ser2407Arg (NM_001127511.3); c.7329T>G, p.Ser2443Arg (NM_001354896.2); c.7305T>G, p.Ser2435Arg (NM_001354897.2); c.7200T>G, p.Ser2400Arg (NM_001354898.2); c.7191T>G, p.Ser2397Arg (NM_001354899.2); c.7152T>G, p.Ser2384Arg (NM_001354900.2); c.7098T>G, p.Ser2366Arg (NM_001354901.2); and 5 more; short protein forms S2142R, S2299R, S2397R, S2425R, S2324R, S2384R, S2400R, S2443R.
Identifiers: ClinVar variation 936510 (VCV000936510.11), dbSNP rs1766434518, ClinGen allele CA16037173.